The following is an entry in ClinVar:

ClinVar aggregate classification (germline): Pathogenic (1 of 4 stars; one submission).

Submission:

Labcorp Genetics (formerly Invitae), Labcorp
Classification: Pathogenic. Last evaluated: 2022-04-13. Review status: criteria provided, single submitter. Criteria: Invitae Variant Classification Sherloc (09022015). Collection method: clinical testing. Allele origin: germline.
Comment: This sequence change replaces aspartic acid, which is acidic and polar, with asparagine, which is neutral and polar, at codon 238 of the FH protein (p.Asp238Asn). For these reasons, this variant has been classified as Pathogenic. Advanced modeling of protein sequence and biophysical properties (such as structural, functional, and spatial information, amino acid conservation, physicochemical variation, residue mobility, and thermodynamic stability) performed at Invitae indicates that this missense variant is expected to disrupt FH protein function. ClinVar contains an entry for this variant (Variation ID: 945001). This missense change has been observed in individual(s) with hereditary leiomyomatosis and renal cell cancer (Invitae). In at least one individual the variant was observed to be de novo. This variant is not present in population databases (gnomAD no frequency).

NM_000143.4(FH):c.712G>A (p.Asp238Asn)

Gene: FH (fumarate hydratase; minus strand). Cytogenetic location: 1q43.
Variant type: single nucleotide variant.
Coding change: c.712G>A on transcript NM_000143.4 (MANE Select); coding-DNA position 712, G replaced by A.
Protein change: p.Asp238Asn; replaces aspartic acid 238 with asparagine.
Molecular consequence: missense variant.
Genome position (GRCh38, 1-based): chr1:241,508,629, C>T on the plus strand (G>A on the coding strand, the complement: FH is on the minus strand). VCF-style: chr1-241508629-C-T. GRCh37 (hg19) VCF-style: chr1-241671929-C-T.
Other names: short protein forms D238N.
Identifiers: ClinVar variation 945001 (VCV000945001.10), dbSNP rs1659989676, ClinGen allele CA345439196.